The following is an entry in ClinVar:

ClinVar aggregate classification (germline): Likely benign. Review status: criteria provided, multiple submitters, no conflicts (2 of 4 stars). 2 submissions from 2 submitters: Likely benign (2). Last evaluated 2025-12-17.

Conditions:
HPS1-related disorder. Also called: HPS1-related condition.

Allele frequency attached by ClinVar (database versions not stated): gnomAD 0.00001; ExAC 0.00002; TOPMed 0.00003; gnomAD exomes 0.00004.
gnomAD v4.1: 15 of 1,614,000 alleles (0.00093%); highest among the groups gnomAD compares: Admixed American, 0.012%; no homozygotes.

Submissions (2):

Labcorp Genetics (formerly Invitae), Labcorp
Classification: Likely benign. Last evaluated: 2025-12-17. Review status: criteria provided, single submitter. Criteria: Invitae Variant Classification Sherloc (09022015). Collection method: clinical testing. Allele origin: germline.

PreventionGenetics, part of Exact Sciences
Classification: Likely benign for HPS1-related condition. Last evaluated: 2025-11-13. Review status: criteria provided, single submitter. Criteria: ACMG Guidelines, 2015. Collection method: clinical testing. Allele origin: germline.
Comment: This variant is classified as likely benign based on ACMG/AMP sequence variant interpretation guidelines (Richards et al. 2015 PMID: 25741868, with internal and published modifications).

NM_000195.5(HPS1):c.1719G>A (p.Pro573=)

Gene: HPS1 (HPS1 biogenesis of lysosomal organelles complex 3 subunit 1; minus strand). Cytogenetic location: 10q24.2.
Variant type: single nucleotide variant.
Coding change: c.1719G>A on transcript NM_000195.5 (MANE Select); coding-DNA position 1719, G replaced by A.
Protein change: p.Pro573=; no amino-acid change (proline 573 retained).
Molecular consequence: synonymous variant.
Genome position (GRCh38, 1-based): chr10:98,422,393, C>T on the plus strand (G>A on the coding strand, the complement: HPS1 is on the minus strand). VCF-style: chr10-98422393-C-T. GRCh37 (hg19) VCF-style: chr10-100182150-C-T.
Other names: c.1719G>A (NM_000195.4); c.1350G>A, p.Pro450= (NM_001322484.2, NM_001322483.2); c.1251G>A, p.Pro417= (NM_001322485.2); c.747G>A, p.Pro249= (NM_001322487.2, NM_001322489.2, NM_001311345.2); c.1719G>A, p.Pro573= (NM_001322476.2, NM_001322477.2); c.1620G>A, p.Pro540= (NM_001322478.2, NM_001322479.2); c.1458G>A, p.Pro486= (NM_001322480.2, NM_001322481.2); c.1359G>A, p.Pro453= (NM_001322482.2).
Identifiers: ClinVar variation 1133504 (VCV001133504.10), dbSNP rs766775901, ClinGen allele CA5638910.